The following is an entry in ClinVar:

NM_001134831.2(AHI1):c.1151+1del

Gene: AHI1 (Abelson helper integration site 1; minus strand). Cytogenetic location: 6q23.3.
Variant type: Deletion.
Coding change: c.1151+1del on transcript NM_001134831.2 (MANE Select); the canonical splice donor site of the intron after coding-DNA position 1151, one base deleted (G; older notation c.1151+1delG).
Molecular consequence: splice donor variant.
Genome position (GRCh38, 1-based): chr6:135,457,493, C deleted on the plus strand (G on the coding strand, the reverse complement: AHI1 is on the minus strand); the first of 2 consecutive C bases (chr6:135,457,493-135,457,494); deleting either gives the same sequence. VCF-style (leftmost placement, unchanged base first): chr6-135457492-AC-A. GRCh37 (hg19) VCF-style: chr6-135778630-AC-A.
Other names: c.1151+1del (NM_001134830.2, NM_001350503.2, NM_017651.5 and 2 more transcripts).
Identifiers: ClinVar variation 2816297 (VCV002816297.3), dbSNP rs2484904067, ClinGen allele CA2739266199.

ClinVar aggregate classification (germline): Pathogenic (1 of 4 stars; one submission).

Conditions:
Joubert syndrome. Also called: CEREBELLOPARENCHYMAL DISORDER IV; JOUBERT-BOLTSHAUSER SYNDROME; Familial aplasia of the vermis. Identifiers: Orphanet 475, MedGen C5979921, MONDO:0018772.

Submission:

Labcorp Genetics (formerly Invitae), Labcorp
Classification: Pathogenic for Joubert syndrome. Last evaluated: 2022-11-24. Review status: criteria provided, single submitter. Criteria: Invitae Variant Classification Sherloc (09022015). Collection method: clinical testing. Allele origin: germline.
Comment: This sequence change creates a premature translational stop signal (p.Ser384Metfs*21) in the AHI1 gene. It is expected to result in an absent or disrupted protein product. Loss-of-function variants in AHI1 are known to be pathogenic (PMID: 15322546, 16453322, 28442542, 29186038). This variant is not present in population databases (gnomAD no frequency). This variant has not been reported in the literature in individuals affected with AHI1-related conditions. This variant is also known as c.1151+1del. Algorithms developed to predict the effect of sequence changes on RNA splicing suggest that this variant may disrupt the consensus splice site. For these reasons, this variant has been classified as Pathogenic.

Literature cited by the submitters: PubMed 15322546; PubMed 16453322; PubMed 28442542; PubMed 29186038.